The following is an entry in ClinVar:

NM_006914.4(RORB):c.2T>G (p.Met1Arg)

Genes: RORB (RAR related orphan receptor B; plus strand), RORB-AS1 (RORB antisense RNA 1; minus strand). Cytogenetic location: 9q21.13.
Variant type: single nucleotide variant.
Coding change: c.2T>G on transcript NM_006914.4 (MANE Select); coding-DNA position 2, T replaced by G.
Protein change: p.Met1Arg; changes the start codon (methionine 1).
Molecular consequence: missense variant, initiator codon variant.
Genome position (GRCh38, 1-based): chr9:74,497,978, T>G. VCF-style: chr9-74497978-T-G. GRCh37 (hg19) VCF-style: chr9-77112894-T-G.
Other names: short protein forms M1R.
Identifiers: ClinVar variation 2770599 (VCV002770599.3), dbSNP rs2117998071, ClinGen allele CA373770319.

ClinVar aggregate classification (germline): Pathogenic (1 of 4 stars; one submission).

Submission:

Labcorp Genetics (formerly Invitae), Labcorp
Classification: Pathogenic. Last evaluated: 2025-01-15. Review status: criteria provided, single submitter. Criteria: Invitae Variant Classification Sherloc (09022015). Collection method: clinical testing. Allele origin: germline.
Comment: This sequence change affects the initiator methionine of the RORB mRNA. The next in-frame methionine is located at codon 75. This variant is not present in population databases (gnomAD no frequency). Disruption of the initiator codon has been observed in individual(s) with neurodevelopmental disorder (internal data). ClinVar contains an entry for this variant (Variation ID: 2770599). This variant disrupts a region of the RORB protein in which other variant(s) (p.Arg36Lys) have been determined to be pathogenic (internal data). This suggests that this is a clinically significant region of the protein, and that variants that disrupt it are likely to be disease-causing. For these reasons, this variant has been classified as Pathogenic.